The following is an entry in ClinVar:

ClinVar aggregate classification (germline): Uncertain significance (1 of 4 stars; one submission).

Conditions:
Left ventricular noncompaction 8 (LVNC8). Identifiers: Orphanet 154, Orphanet 54260, MedGen C3809288, MONDO:0014152, OMIM 615373.

Allele frequency attached by ClinVar (database versions not stated): TOPMed below 0.00001; gnomAD 0.00001; gnomAD exomes 0.00001.

Submission:

Labcorp Genetics (formerly Invitae), Labcorp
Classification: Uncertain significance for Left ventricular noncompaction 8. Last evaluated: 2021-12-27. Review status: criteria provided, single submitter. Criteria: Invitae Variant Classification Sherloc (09022015). Collection method: clinical testing. Allele origin: germline.
Comment: This variant is present in population databases (no rsID available, gnomAD 0.007%). This sequence change replaces methionine, which is neutral and non-polar, with leucine, which is neutral and non-polar, at codon 104 of the PRDM16 protein (p.Met104Leu). This variant has not been reported in the literature in individuals affected with PRDM16-related conditions. In summary, the available evidence is currently insufficient to determine the role of this variant in disease. Therefore, it has been classified as a Variant of Uncertain Significance. Algorithms developed to predict the effect of missense changes on protein structure and function output the following: SIFT: "Tolerated"; PolyPhen-2: "Benign"; Align-GVGD: "Class C0". The leucine amino acid residue is found in multiple mammalian species, which suggests that this missense change does not adversely affect protein function.

NM_022114.4(PRDM16):c.310A>C (p.Met104Leu)

Gene: PRDM16 (PR/SET domain 16; plus strand). Cytogenetic location: 1p36.32.
Variant type: single nucleotide variant.
Coding change: c.310A>C on transcript NM_022114.4 (MANE Select); coding-DNA position 310, A replaced by C.
Protein change: p.Met104Leu; replaces methionine 104 with leucine.
Molecular consequence: missense variant.
Genome position (GRCh38, 1-based): chr1:3,186,397, A>C. VCF-style: chr1-3186397-A-C. GRCh37 (hg19) VCF-style: chr1-3102961-A-C.
Other names: c.310A>C, p.Met104Leu (NM_199454.3); short protein forms M104L.
Identifiers: ClinVar variation 2049224 (VCV002049224.4), dbSNP rs1187476584, ClinGen allele CA338215832.